The following is an entry in ClinVar:

NM_000520.6(HEXA):c.1098T>A (p.Tyr366Ter)

Gene: HEXA (hexosaminidase subunit alpha; minus strand). Cytogenetic location: 15q23.
Variant type: single nucleotide variant.
Coding change: c.1098T>A on transcript NM_000520.6 (MANE Select); coding-DNA position 1098, T replaced by A.
Protein change: p.Tyr366Ter; replaces tyrosine 366 with a stop codon.
Molecular consequence: nonsense.
Genome position (GRCh38, 1-based): chr15:72,347,734, A>T on the plus strand (T>A on the coding strand, the complement: HEXA is on the minus strand). VCF-style: chr15-72347734-A-T. GRCh37 (hg19) VCF-style: chr15-72640075-A-T.
Other names: c.1131T>A, p.Tyr377Ter (NM_001318825.2); short protein forms Y366*, Y377*.
Identifiers: ClinVar variation 983878 (VCV000983878.7), dbSNP rs979690054, ClinGen allele CA393061761.
Genomic context (GRCh38, chr15:72,347,734, plus strand): 5'-GCCCCGGCTCACCTTTACTTTATTATCAAACACCTCCTGCCACACCACATAGCCCTTGCC[A>T]TAAGAAGAGACGATGTCCAGCAGCCTGGAGAGGAGAGGAGTGTCTAGTAAGTGTCTGCTT-3'

ClinVar aggregate classification (germline): Pathogenic/Likely pathogenic. Review status: criteria provided, multiple submitters, no conflicts (2 of 4 stars). 2 submissions from 2 submitters: Pathogenic (1); Likely pathogenic (1). Last evaluated 2022-10-13.

Conditions:
Tay-Sachs disease (TSD). Also called: Hexosaminidase A Deficiency; HEXA Disorders; GM2 gangliosidosis, type 1; Hexosaminidase alpha-subunit deficiency (variant B); Sphingolipidosis, Tay-Sachs; HEXA DEFICIENCY. Identifiers: Orphanet 845, MedGen C0039373, MONDO:0010100, OMIM 272800.

Submissions (2):

Labcorp Genetics (formerly Invitae), Labcorp
Classification: Pathogenic for Tay-Sachs disease. Last evaluated: 2022-10-13. Review status: criteria provided, single submitter. Criteria: Invitae Variant Classification Sherloc (09022015). Collection method: clinical testing. Allele origin: germline.
Comment: For these reasons, this variant has been classified as Pathogenic. ClinVar contains an entry for this variant (Variation ID: 983878). This variant has not been reported in the literature in individuals affected with HEXA-related conditions. This variant is not present in population databases (gnomAD no frequency). This sequence change creates a premature translational stop signal (p.Tyr366*) in the HEXA gene. It is expected to result in an absent or disrupted protein product. Loss-of-function variants in HEXA are known to be pathogenic (PMID: 1833974, 8490625).

Myriad Genetics, Inc.
Classification: Likely pathogenic for Tay-Sachs disease. Last evaluated: 2019-09-29. Review status: criteria provided, single submitter. Criteria: Myriad Women's Health Autosomal Recessive and X-Linked Classification Criteria (2019). Collection method: clinical testing. Allele origin: unknown.
Comment: NM_000520.4(HEXA):c.1098T>A(Y366*) is expected to be pathogenic in the context of hexosaminidase A deficiency. This variant is predicted to lead to an abnormal or absent protein product due to the creation of a premature termination codon in HEXA, a gene where loss-of-function variants are known to be pathogenic. Please note: this variant was assessed in the context of healthy population screening.

Literature cited by the submitters: PubMed 1833974 (cited by Labcorp Genetics (formerly Invitae), Labcorp); PubMed 8490625 (cited by Labcorp Genetics (formerly Invitae), Labcorp).